The following is an entry in ClinVar:

NM_015386.3(COG4):c.844+1G>A

Gene: COG4 (component of oligomeric golgi complex 4; minus strand). Cytogenetic location: 16q22.1.
Variant type: single nucleotide variant.
Coding change: c.844+1G>A on transcript NM_015386.3 (MANE Select); the canonical splice donor site of the intron after coding-DNA position 844, G replaced by A.
Molecular consequence: splice donor variant.
Genome position (GRCh38, 1-based): chr16:70,509,915, C>T on the plus strand (G>A on the coding strand, the complement: COG4 is on the minus strand). VCF-style: chr16-70509915-C-T. GRCh37 (hg19) VCF-style: chr16-70543818-C-T.
Other names: c.832+1G>A (NM_001195139.2); c.418+1G>A (NM_001365426.1).
Identifiers: ClinVar variation 2446151 (VCV002446151.1), dbSNP rs773457236, ClinGen allele CA8144568.

ClinVar aggregate classification (germline): Pathogenic (1 of 4 stars; one submission).

Allele frequency attached by ClinVar (database versions not stated): gnomAD exomes below 0.00001; TOPMed below 0.00001; ExAC 0.00001.
gnomAD v4.1: 6 of 1,612,004 alleles (0.00037%); highest among the groups gnomAD compares: South Asian, 0.0033%; no homozygotes.

Submission:

GeneDx
Classification: Pathogenic. Last evaluated: 2023-03-20. Review status: criteria provided, single submitter. Criteria: GeneDx Variant Classification Process June 2021. Collection method: clinical testing. Allele origin: germline. Affected: yes.
Comment: Canonical splice site variant predicted to result in a null allele in a gene for which loss of function is a known mechanism of disease; Not observed at a significant frequency in large population cohorts (gnomAD); Has not been previously published as pathogenic or benign to our knowledge